The following is an entry in ClinVar:

ClinVar aggregate classification (germline): Uncertain significance. Review status: criteria provided, multiple submitters, no conflicts (2 of 4 stars). 2 submissions from 2 submitters: Uncertain significance (2). Last evaluated 2025-02-14.

Conditions:
Neurofibromatosis, type 1 (NF1). Also called: VON RECKLINGHAUSEN DISEASE; Peripheral type neurofibromatosis; NEUROFIBROMATOSIS, TYPE I, SOMATIC; Neurofibromatosis, type I. Identifiers: Orphanet 636, MedGen C0027831, MONDO:0018975, OMIM 162200. Disease mechanism: loss of function.
NF1-related disorder. Also called: NF1-related condition. Identifiers: MedGen CN379171.

Submissions (2):

PreventionGenetics, part of Exact Sciences
Classification: Uncertain significance for NF1-related condition. Last evaluated: 2025-02-14. Review status: criteria provided, single submitter. Criteria: ACMG Guidelines, 2015. Collection method: clinical testing. Allele origin: germline.
Comment: The NF1 c.5558C>G variant is predicted to result in the amino acid substitution p.Thr1853Arg. This variant has been reported in a patient with classical neurofibromatosis (reported as c.5495C>G in Table 5, Paterra et al. 2022. PubMed ID: 36612057). This variant has not been reported in a large population database (gnomAD), indicating this variant is rare. Although we suspect that this variant may be pathogenic, at this time, the clinical significance of this variant is uncertain due to the absence of conclusive functional and genetic evidence.

Labcorp Genetics (formerly Invitae), Labcorp
Classification: Uncertain significance for Neurofibromatosis, type 1. Last evaluated: 2019-05-16. Review status: criteria provided, single submitter. Criteria: Invitae Variant Classification Sherloc (09022015). Collection method: clinical testing. Allele origin: germline.
Comment: This sequence change replaces threonine with arginine at codon 1832 of the NF1 protein (p.Thr1832Arg). The threonine residue is moderately conserved and there is a moderate physicochemical difference between threonine and arginine. This variant is not present in population databases (ExAC no frequency). This variant has not been reported in the literature in individuals with NF1-related conditions. Algorithms developed to predict the effect of missense changes on protein structure and function are either unavailable or do not agree on the potential impact of this missense change (SIFT: Tolerated; PolyPhen-2: Probably Damaging; Align-GVGD: Class C0). In summary, the available evidence is currently insufficient to determine the role of this variant in disease. Therefore, it has been classified as a Variant of Uncertain Significance.

NM_001042492.3(NF1):c.5558C>G (p.Thr1853Arg)

Gene: NF1 (neurofibromin 1; plus strand). Cytogenetic location: 17q11.2.
Variant type: single nucleotide variant.
Coding change: c.5558C>G on transcript NM_001042492.3 (MANE Select); coding-DNA position 5558, C replaced by G.
Protein change: p.Thr1853Arg; replaces threonine 1853 with arginine.
Molecular consequence: missense variant.
Genome position (GRCh38, 1-based): chr17:31,327,788, C>G. VCF-style: chr17-31327788-C-G. GRCh37 (hg19) VCF-style: chr17-29654806-C-G.
Other names: c.5495C>G, p.Thr1832Arg (NM_000267.4); short protein forms T1832R, T1853R.
Identifiers: ClinVar variation 864044 (VCV000864044.4), dbSNP rs2069385223, ClinGen allele CA399009902.
Genomic context (GRCh38, chr17:31,327,788, plus strand): 5'-TGTCACAGCCCGACTCTATCCCCCAACACACCAAGATTCGGCCAAAAGATGTCCCTGGGA[C>G]ACTGCTCAATATCGCATTACTTAATTTAGGCAGTTCTGACCCGAGTTTACGGTAGGTTTT-3'
Protein context (NP_001035957.1, residues 1843-1863): TKIRPKDVPG[Thr1853Arg]LLNIALLNLG